The following is an entry in ClinVar:

NM_005709.4(USH1C):c.1225G>T (p.Glu409Ter)

Gene: USH1C (USH1 protein network component harmonin; minus strand). Cytogenetic location: 11p15.1.
Variant type: single nucleotide variant.
Coding change: c.1225G>T on transcript NM_005709.4 (MANE Plus Clinical); coding-DNA position 1225, G replaced by T.
Protein change: p.Glu409Ter; replaces glutamic acid 409 with a stop codon.
Molecular consequence: nonsense. On other transcripts: intron variant (1).
Genome position (GRCh38, 1-based): chr11:17,517,460, C>A on the plus strand (G>T on the coding strand, the complement: USH1C is on the minus strand). VCF-style: chr11-17517460-C-A. GRCh37 (hg19) VCF-style: chr11-17539007-C-A.
Other names: c.1168G>T, p.Glu390Ter (NM_001297764.2); c.1211-1170G>T (NM_153676.4); short protein forms E390*, E409*.
Identifiers: ClinVar variation 1072317 (VCV001072317.7), dbSNP rs757625535, ClinGen allele CA379782683.
Genomic context (GRCh38, chr11:17,517,460, plus strand): 5'-CCTGCTCTCCCTGCTCCTCCGTGCCTCCATCCAGGTCATCTGCGGGCTCGAGCTCAGGTT[C>A]CACTCCCTGATCATCTACCCAGGGAAAAGAGGAGGAAGCTGGTGAACCAAAAGGGACTTG-3'

ClinVar aggregate classification (germline): Pathogenic (1 of 4 stars; one submission).

Submission:

Labcorp Genetics (formerly Invitae), Labcorp
Classification: Pathogenic. Last evaluated: 2020-05-25. Review status: criteria provided, single submitter. Criteria: Invitae Variant Classification Sherloc (09022015). Collection method: clinical testing. Allele origin: germline.
Comment: This variant is not present in population databases (ExAC no frequency). This sequence change creates a premature translational stop signal (p.Glu409*) in the USH1C gene. It is expected to result in an absent or disrupted protein product. This variant has not been reported in the literature in individuals with USH1C-related conditions. Algorithms developed to predict the effect of sequence changes on RNA splicing suggest that this variant may create or strengthen a splice site, but this prediction has not been confirmed by published transcriptional studies. Loss-of-function variants in USH1C are known to be pathogenic (PMID: 10973247, 17407589, 20301442, 21203349). For these reasons, this variant has been classified as Pathogenic.

Literature cited by the submitters: PubMed 10973247; PubMed 17407589; PubMed 20301442; PubMed 21203349.